The following is an entry in ClinVar:

ClinVar aggregate classification (germline): Benign. Review status: criteria provided, multiple submitters, no conflicts (2 of 4 stars). 3 submissions from 3 submitters: Benign (2). 1 of the submissions does not count toward it. Last evaluated 2026-01-02.

Conditions:
MRTFA-related disorder. Also called: MRTFA-related condition.

Allele frequency attached by ClinVar (database versions not stated): gnomAD 0.00035 and 0.00068; TOPMed 0.00038; gnomAD exomes 0.00128 and 0.00223; 1000 Genomes Project 30x 0.00234; ExAC 0.00379; 1000 Genomes Project 0.00399.
gnomAD v4.1: 1,967 of 1,590,812 alleles (0.12%); highest among the groups gnomAD compares: South Asian, 1.5%; 27 homozygotes.

Submissions (3):

Labcorp Genetics (formerly Invitae), Labcorp
Classification: Benign. Last evaluated: 2026-01-02. Review status: criteria provided, single submitter. Criteria: Invitae Variant Classification Sherloc (09022015). Collection method: clinical testing. Allele origin: germline.

Breakthrough Genomics
Classification: Benign. Review status: criteria provided, single submitter. Criteria: ACMG Guidelines, 2015. Collection method: not provided. Allele origin: germline. Inheritance: Autosomal recessive inheritance. Affected: yes.

PreventionGenetics, part of Exact Sciences
Classification: Likely benign for MRTFA-related condition. Last evaluated: 2020-06-01. Review status: no assertion criteria provided. Collection method: clinical testing. Allele origin: germline. Not counted in ClinVar's aggregate classification.
Comment: This variant is classified as likely benign based on ACMG/AMP sequence variant interpretation guidelines (Richards et al. 2015 PMID: 25741868, with internal and published modifications).

NM_020831.6(MRTFA):c.1622T>G (p.Val541Gly)

Gene: MRTFA (myocardin related transcription factor A; minus strand). Cytogenetic location: 22q13.1.
Variant type: single nucleotide variant.
Coding change: c.1622T>G on transcript NM_020831.6 (MANE Select); coding-DNA position 1622, T replaced by G.
Protein change: p.Val541Gly; replaces valine 541 with glycine.
Molecular consequence: missense variant.
Genome position (GRCh38, 1-based): chr22:40,419,116, A>C on the plus strand (T>G on the coding strand, the complement: MRTFA is on the minus strand). VCF-style: chr22-40419116-A-C. GRCh37 (hg19) VCF-style: chr22-40815120-A-C.
Other names: c.1322T>G, p.Val441Gly (NM_001282660.2); c.1472T>G, p.Val491Gly (NM_001282661.3); c.1622T>G, p.Val541Gly (NM_001282662.3); c.1427T>G, p.Val476Gly (NM_001318139.2); short protein forms V476G, V541G, V491G, V441G.
Identifiers: ClinVar variation 775776 (VCV000775776.12), dbSNP rs200792263, ClinGen allele CA10249620.